The following is an entry in ClinVar:

ClinVar aggregate classification (germline): Uncertain significance. Review status: criteria provided, multiple submitters, no conflicts (2 of 4 stars). 2 submissions from 2 submitters: Uncertain significance (2). Last evaluated 2021-08-19.

Conditions:
Hereditary cancer-predisposing syndrome. Also called: Hereditary neoplastic syndrome; Hereditary Cancer Syndrome; Tumor predisposition; Neoplastic Syndromes, Hereditary. Identifiers: Orphanet 140162, MedGen C0027672, MeSH D009386, MONDO:0015356.
Familial cancer of breast. Also called: hereditary breast carcinoma; BREAST CANCER, FAMILIAL; Hereditary breast cancer. Identifiers: Orphanet 227535, MedGen C0346153, MONDO:0016419, OMIM 114480. Disease mechanism: loss of function.

Submissions (2):

Sema4
Classification: Uncertain significance for Hereditary cancer-predisposing syndrome. Last evaluated: 2021-08-19. Review status: criteria provided, single submitter. Criteria: Sema4 Curation Guidelines. Collection method: curation. Allele origin: germline.
Comment: The BARD1 c.1156G>A (p.E386K) variant has not been reported in the literature to our knowledge. It was not observed in the large and broad cohorts of the Genome Aggregation Database (PMID: 32461654) or in ClinVar. Functional studies have not been performed, and in silico predictions of the variant's effect on protein function are inconclusive. The evidence is insufficient to meet ACMG/AMP criteria for classifying the variant as benign or pathogenic. Thus, the clinical significance of this variant is currently uncertain.

Labcorp Genetics (formerly Invitae), Labcorp
Classification: Uncertain significance for Familial cancer of breast. Last evaluated: 2021-04-08. Review status: criteria provided, single submitter. Criteria: Invitae Variant Classification Sherloc (09022015). Collection method: clinical testing. Allele origin: germline.
Comment: Algorithms developed to predict the effect of missense changes on protein structure and function (SIFT, PolyPhen-2, Align-GVGD) all suggest that this variant is likely to be tolerated, but these predictions have not been confirmed by published functional studies and their clinical significance is uncertain. This variant has not been reported in the literature in individuals with BARD1-related conditions. This variant is not present in population databases (ExAC no frequency). This sequence change replaces glutamic acid with lysine at codon 386 of the BARD1 protein (p.Glu386Lys). The glutamic acid residue is moderately conserved and there is a small physicochemical difference between glutamic acid and lysine. In summary, the available evidence is currently insufficient to determine the role of this variant in disease. Therefore, it has been classified as a Variant of Uncertain Significance.

NM_000465.4(BARD1):c.1156G>A (p.Glu386Lys)

Gene: BARD1 (BRCA1 associated RING domain 1; minus strand). Cytogenetic location: 2q35.
Variant type: single nucleotide variant.
Coding change: c.1156G>A on transcript NM_000465.4 (MANE Select); coding-DNA position 1156, G replaced by A.
Protein change: p.Glu386Lys; replaces glutamic acid 386 with lysine.
Molecular consequence: missense variant. On other transcripts: non-coding transcript variant (2), intron variant (3).
Genome position (GRCh38, 1-based): chr2:214,780,718, C>T on the plus strand (G>A on the coding strand, the complement: BARD1 is on the minus strand). VCF-style: chr2-214780718-C-T. GRCh37 (hg19) VCF-style: chr2-215645442-C-T.
Other names: c.1099G>A, p.Glu367Lys (NM_001282543.2); c.159-28163G>A (NM_001282548.2); c.215+16343G>A (NM_001282545.2); c.364+11579G>A (NM_001282549.2); short protein forms E367K, E386K.
Identifiers: ClinVar variation 1524052 (VCV001524052.9), dbSNP rs1553622218, ClinGen allele CA350453945.
Genomic context (GRCh38, chr2:214,780,718, plus strand): 5'-GCCTGTAACTTGAACTACTTAATGTAGAAGGTGGTGTACCTGGTGAAAGACTAATGAATT[C>T]ATCGGACATGTTACTGTTTTTCCTCCCTGATGTACCACCAACTTTACGTTTGCATGAAGG-3'
Protein context (NP_000456.2, residues 376-396): SGRKNSNMSD[Glu386Lys]FISLSPGTPP